The following is an entry in ClinVar:

ClinVar aggregate classification (germline): Likely pathogenic (1 of 4 stars; one submission).

Conditions:
Familial intrahepatic cholestasis. Identifiers: Orphanet 284385, MedGen CN296401, MONDO:0017290.

Submission:

Genomenon, Inc
Classification: Likely pathogenic for Familial intrahepatic cholestasis. Last evaluated: 2026-04-14. Review status: criteria provided, single submitter. Criteria: Genomenon Sequence Variant Interpretation Standards - Updated. Collection method: curation. Allele origin: germline. Affected: yes.
Comment: ATP8B1 c.1933-1G>A is a canonical splice variant affecting the acceptor splice site of intron 17. This variant has been observed in at least one proband with features of ATP8B1-deficiency (PMID:15239083). At least one splicing study demonstrated this variant results in aberrant splicing (PMID:25421123). It is absent or not present at a significant frequency in gnomAD. In conclusion, we classify ATP8B1 c.1933-1G>A as a likely pathogenic variant.

Literature cited by the submitters: PubMed 15239083; PubMed 25421123.

NM_001374385.1(ATP8B1):c.1933-1G>A

Gene: ATP8B1 (ATPase phospholipid transporting 8B1; minus strand). Cytogenetic location: 18q21.31.
Variant type: single nucleotide variant.
Coding change: c.1933-1G>A on transcript NM_001374385.1 (MANE Select); the canonical splice acceptor site of the intron before coding-DNA position 1933, G replaced by A.
Molecular consequence: splice acceptor variant.
Genome position (GRCh38, 1-based): chr18:57,669,483, C>T on the plus strand (G>A on the coding strand, the complement: ATP8B1 is on the minus strand). VCF-style: chr18-57669483-C-T. GRCh37 (hg19) VCF-style: chr18-55336715-C-T.
Other names: c.1933-1G>A (NM_005603.6); c.1783-1G>A (NM_001374386.1).
Identifiers: ClinVar variation 4846262 (VCV004846262.1).
Genomic context (GRCh38, chr18:57,669,483, plus strand): 5'-TTTTTCTTCAATTTCCTTGTAGCAAAGGCATAGGGTTCTAAGAGTTTCATTTGCAAAGAT[C>T]TGTTTTATTTAAAAAAATAAATCCACCAATGCAAAGAATAGTTAATTTATGTAATTCAGG-3'